The following is an entry in ClinVar:

NM_001184.4(ATR):c.2569G>T (p.Ala857Ser)

Gene: ATR (ATR checkpoint kinase; minus strand). Cytogenetic location: 3q23.
Variant type: single nucleotide variant.
Coding change: c.2569G>T on transcript NM_001184.4 (MANE Select); coding-DNA position 2569, G replaced by T.
Protein change: p.Ala857Ser; replaces alanine 857 with serine.
Molecular consequence: missense variant.
Genome position (GRCh38, 1-based): chr3:142,553,704, C>A on the plus strand (G>T on the coding strand, the complement: ATR is on the minus strand). VCF-style: chr3-142553704-C-A. GRCh37 (hg19) VCF-style: chr3-142272546-C-A.
Other names: c.2377G>T, p.Ala793Ser (NM_001354579.2); short protein forms A793S, A857S.
Identifiers: ClinVar variation 1793203 (VCV001793203.2), dbSNP rs2473384121, ClinGen allele CA354815645.

ClinVar aggregate classification (germline): Uncertain significance (1 of 4 stars; one submission).

Conditions:
Inborn genetic diseases. Identifiers: MedGen C0950123, MeSH D030342.

Submission:

Ambry Genetics
Classification: Uncertain significance for Inborn genetic diseases. Last evaluated: 2021-11-30. Review status: criteria provided, single submitter. Criteria: Ambry Variant Classification Scheme 2023. Collection method: clinical testing. Allele origin: germline.
Comment: The p.A857S variant (also known as c.2569G>T), located in coding exon 12 of the ATR gene, results from a G to T substitution at nucleotide position 2569. The alanine at codon 857 is replaced by serine, an amino acid with similar properties. This amino acid position is conserved. In addition, this alteration is predicted to be tolerated by in silico analysis. Since supporting evidence is limited at this time, the clinical significance of this alteration remains unclear.